The following is an entry in ClinVar:

NM_003579.4(RAD54L):c.1844C>T (p.Thr615Ile)

Gene: RAD54L (RAD54 like; plus strand). Cytogenetic location: 1p34.1.
Variant type: single nucleotide variant.
Coding change: c.1844C>T on transcript NM_003579.4 (MANE Select); coding-DNA position 1844, C replaced by T.
Protein change: p.Thr615Ile; replaces threonine 615 with isoleucine.
Molecular consequence: missense variant.
Genome position (GRCh38, 1-based): chr1:46,274,692, C>T. VCF-style: chr1-46274692-C-T. GRCh37 (hg19) VCF-style: chr1-46740364-C-T.
Other names: c.1844C>T, p.Thr615Ile (NM_001142548.2); c.1304C>T, p.Thr435Ile (NM_001370766.1); short protein forms T615I, T435I.
Identifiers: ClinVar variation 1781210 (VCV001781210.3), dbSNP rs377232880, ClinGen allele CA834726.

ClinVar aggregate classification (germline): Uncertain significance (1 of 4 stars; one submission).

Allele frequency attached by ClinVar (database versions not stated): gnomAD exomes below 0.00001; ExAC 0.00002; ESP Exome Variant Server 0.00008.
gnomAD v4.1: 3 of 1,614,110 alleles (0.00019%); highest among the groups gnomAD compares: East Asian, 0.0022%; no homozygotes.

Submission:

Ambry Genetics
Classification: Uncertain significance. Last evaluated: 2024-06-21. Review status: criteria provided, single submitter. Criteria: Ambry Variant Classification Scheme 2023. Collection method: clinical testing. Allele origin: germline.
Comment: The p.T615I variant (also known as c.1844C>T), located in coding exon 16 of the RAD54L gene, results from a C to T substitution at nucleotide position 1844. The threonine at codon 615 is replaced by isoleucine, an amino acid with similar properties. This amino acid position is conserved. In addition, this alteration is predicted to be tolerated by in silico analysis. Since supporting evidence is limited at this time, the clinical significance of this alteration remains unclear.